The following is an entry in ClinVar:

ClinVar aggregate classification (germline): Uncertain significance (1 of 4 stars; one submission).

gnomAD v4.1: 4 of 1,186,757 alleles (0.00034%); highest among the groups gnomAD compares: African/African-American, 0.0053%; no homozygotes.

Submission:

GeneDx
Classification: Uncertain significance. Last evaluated: 2023-12-15. Review status: criteria provided, single submitter. Criteria: GeneDx Variant Classification Process June 2021. Collection method: clinical testing. Allele origin: germline. Affected: yes.
Comment: Has not been previously published as pathogenic or benign to our knowledge; In silico analysis supports that this missense variant does not alter protein structure/function; Not observed at significant frequency in large population cohorts (gnomAD)

NM_001368397.1(FRMPD4):c.2635C>G (p.Leu879Val)

Gene: FRMPD4 (FERM and PDZ domain containing 4; plus strand). Cytogenetic location: Xp22.2.
Variant type: single nucleotide variant.
Coding change: c.2635C>G on transcript NM_001368397.1 (MANE Select); coding-DNA position 2635, C replaced by G.
Protein change: p.Leu879Val; replaces leucine 879 with valine.
Molecular consequence: missense variant.
Genome position (GRCh38, 1-based): chrX:12,717,094, C>G. VCF-style: chrX-12717094-C-G. GRCh37 (hg19) VCF-style: chrX-12735213-C-G.
Other names: c.2746C>G, p.Leu916Val (NM_001368395.3, NM_001368398.3); c.2641C>G, p.Leu881Val (NM_001368396.3); c.2626C>G, p.Leu876Val (NM_001368399.3); c.2515C>G, p.Leu839Val (NM_001368400.3); c.2611C>G, p.Leu871Val (NM_001368401.1, NM_001368402.3); c.2635C>G, p.Leu879Val (NM_014728.3); short protein forms L839V, L871V, L876V, L879V, L881V, L916V.
Identifiers: ClinVar variation 3365630 (VCV003365630.1).